The following is an entry in ClinVar:

NM_000124.4(ERCC6):c.883G>A (p.Ala295Thr)

Gene: ERCC6 (ERCC excision repair 6, chromatin remodeling factor; minus strand). Cytogenetic location: 10q11.23.
Variant type: single nucleotide variant.
Coding change: c.883G>A on transcript NM_000124.4 (MANE Select); coding-DNA position 883, G replaced by A.
Protein change: p.Ala295Thr; replaces alanine 295 with threonine.
Molecular consequence: missense variant.
Genome position (GRCh38, 1-based): chr10:49,524,547, C>T on the plus strand (G>A on the coding strand, the complement: ERCC6 is on the minus strand). VCF-style: chr10-49524547-C-T. GRCh37 (hg19) VCF-style: chr10-50732593-C-T.
Other names: c.883G>A, p.Ala295Thr (NM_001277058.2, NM_001277059.2, NM_001346440.2); short protein forms A295T.
Identifiers: ClinVar variation 2176613 (VCV002176613.3), dbSNP rs752737151, ClinGen allele CA5496421.

ClinVar aggregate classification (germline): Uncertain significance (1 of 4 stars; one submission).

Allele frequency attached by ClinVar (database versions not stated): ExAC 0.00001; TOPMed 0.00002.

Submission:

Labcorp Genetics (formerly Invitae), Labcorp
Classification: Uncertain significance. Last evaluated: 2024-02-27. Review status: criteria provided, single submitter. Criteria: Invitae Variant Classification Sherloc (09022015). Collection method: clinical testing. Allele origin: germline.
Comment: This sequence change replaces alanine, which is neutral and non-polar, with threonine, which is neutral and polar, at codon 295 of the ERCC6 protein (p.Ala295Thr). This variant is not present in population databases (gnomAD no frequency). This variant has not been reported in the literature in individuals affected with ERCC6-related conditions. ClinVar contains an entry for this variant (Variation ID: 2176613). Advanced modeling of protein sequence and biophysical properties (such as structural, functional, and spatial information, amino acid conservation, physicochemical variation, residue mobility, and thermodynamic stability) performed at Invitae indicates that this missense variant is not expected to disrupt ERCC6 protein function with a negative predictive value of 95%. In summary, the available evidence is currently insufficient to determine the role of this variant in disease. Therefore, it has been classified as a Variant of Uncertain Significance.